The following is an entry in ClinVar:

ClinVar aggregate classification (germline): Uncertain significance (1 of 4 stars; one submission).

Allele frequency attached by ClinVar (database versions not stated): gnomAD exomes 0.00001 and 0.00005; TOPMed 0.00001.
gnomAD v4.1: 66 of 1,612,238 alleles (0.0041%); highest among the groups gnomAD compares: Non-Finnish European, 0.0056%; no homozygotes.

Submission:

Labcorp Genetics (formerly Invitae), Labcorp
Classification: Uncertain significance. Last evaluated: 2022-08-10. Review status: criteria provided, single submitter. Criteria: Invitae Variant Classification Sherloc (09022015). Collection method: clinical testing. Allele origin: germline.
Comment: In summary, the available evidence is currently insufficient to determine the role of this variant in disease. Therefore, it has been classified as a Variant of Uncertain Significance. Variants that disrupt the consensus splice site are a relatively common cause of aberrant splicing (PMID: 17576681, 9536098). Algorithms developed to predict the effect of sequence changes on RNA splicing suggest that this variant is not likely to affect RNA splicing. ClinVar contains an entry for this variant (Variation ID: 1046718). This variant has not been reported in the literature in individuals affected with RCBTB1-related conditions. This variant is present in population databases (rs758791880, gnomAD 0.002%). This sequence change falls in intron 6 of the RCBTB1 gene. It does not directly change the encoded amino acid sequence of the RCBTB1 protein. It affects a nucleotide within the consensus splice site.

Literature cited by the submitters: PubMed 17576681; PubMed 9536098.

NM_018191.4(RCBTB1):c.603+6G>A

Gene: RCBTB1 (RCC1 and BTB domain containing protein 1; minus strand). Cytogenetic location: 13q14.2.
Variant type: single nucleotide variant.
Coding change: c.603+6G>A on transcript NM_018191.4 (MANE Select); 6 bases into the intron after coding-DNA position 603, G replaced by A.
Molecular consequence: intron variant.
Genome position (GRCh38, 1-based): chr13:49,555,509, C>T on the plus strand (G>A on the coding strand, the complement: RCBTB1 is on the minus strand). VCF-style: chr13-49555509-C-T. GRCh37 (hg19) VCF-style: chr13-50129645-C-T.
Other names: c.603+6G>A (NM_001352501.2, NM_001352502.2, NM_001352503.2 and 3 more transcripts); c.24+6G>A (NM_001352506.2).
Identifiers: ClinVar variation 1046718 (VCV001046718.4), dbSNP rs758791880, ClinGen allele CA249367009.